The following is an entry in ClinVar:

ClinVar aggregate classification (germline): Uncertain significance (1 of 4 stars; one submission).

Conditions:
Muscle AMP deaminase deficiency (MMDD). Also called: Myoadenylate deaminase deficiency, myopathy due to; AMPD1 DEFICIENCY; ADENOSINE MONOPHOSPHATE DEAMINASE-1 DEFICIENCY, MYOPATHY DUE TO; Adenosine monophosphate deaminase 1 deficiency; AMP deaminase 1 deficiency; Adenosine Monophosphate Deaminase 1. Identifiers: Orphanet 45, MedGen C3714933, MONDO:0014220, OMIM 615511.

Allele frequency attached by ClinVar (database versions not stated): ExAC 0.00001; gnomAD exomes 0.00001; gnomAD 0.00003.

Submission:

Labcorp Genetics (formerly Invitae), Labcorp
Classification: Uncertain significance for Muscle AMP deaminase deficiency. Last evaluated: 2022-06-04. Review status: criteria provided, single submitter. Criteria: Invitae Variant Classification Sherloc (09022015). Collection method: clinical testing. Allele origin: germline.
Comment: In summary, the available evidence is currently insufficient to determine the role of this variant in disease. Therefore, it has been classified as a Variant of Uncertain Significance. This variant has not been reported in the literature in individuals affected with AMPD1-related conditions. This variant is present in population databases (rs760986384, gnomAD 0.002%). This variant, c.246_247insCGGACA, results in the insertion of 2 amino acid(s) of the AMPD1 protein (p.Ile82_Ser83insArgThr), but otherwise preserves the integrity of the reading frame.

NM_000036.3(AMPD1):c.147_148insCGGACA (p.Ile49_Ser50insArgThr)

Gene: AMPD1 (adenosine monophosphate deaminase 1; minus strand). Cytogenetic location: 1p13.2.
Variant type: Insertion.
Coding change: c.147_148insCGGACA on transcript NM_000036.3 (MANE Select); coding-DNA positions 147 to 148, CGGACA inserted.
Protein change: p.Ile49_Ser50insArgThr.
Molecular consequence: inframe insertion.
Genome position: GRCh38 VCF-style: chr1-114688628-A-ATGTCCG. GRCh37 (hg19) VCF-style: chr1-115231249-A-ATGTCCG.
Other names: c.135_136insCGGACA, p.Ile45_Ser46insArgThr (NM_001172626.2).
Identifiers: ClinVar variation 2184604 (VCV002184604.4), dbSNP rs760986384, ClinGen allele CA1020544.